The following is an entry in ClinVar:

ClinVar aggregate classification (germline): Uncertain significance (1 of 4 stars; one submission).

Conditions:
Cardiovascular phenotype. Identifiers: MedGen CN230736.

Allele frequency attached by ClinVar (database versions not stated): ExAC 0.00001; gnomAD 0.00001.
gnomAD v4.1: 9 of 1,613,780 alleles (0.00056%); highest among the groups gnomAD compares: South Asian, 0.0011%; no homozygotes.

Submission:

Ambry Genetics
Classification: Uncertain significance for Cardiovascular phenotype. Last evaluated: 2024-02-26. Review status: criteria provided, single submitter. Criteria: Ambry Variant Classification Scheme 2023. Collection method: clinical testing. Allele origin: germline.
Comment: The p.T225M variant (also known as c.674C>T), located in coding exon 7 of the LDLRAP1 gene, results from a C to T substitution at nucleotide position 674. The threonine at codon 225 is replaced by methionine, an amino acid with similar properties. This amino acid position is conserved. In addition, this alteration is predicted to be tolerated by in silico analysis. Based on the available evidence, the clinical significance of this alteration remains unclear.

NM_015627.3(LDLRAP1):c.674C>T (p.Thr225Met)

Gene: LDLRAP1 (low density lipoprotein receptor adaptor protein 1; plus strand). Cytogenetic location: 1p36.11.
Variant type: single nucleotide variant.
Coding change: c.674C>T on transcript NM_015627.3 (MANE Select); coding-DNA position 674, C replaced by T.
Protein change: p.Thr225Met; replaces threonine 225 with methionine.
Molecular consequence: missense variant.
Genome position (GRCh38, 1-based): chr1:25,563,718, C>T. VCF-style: chr1-25563718-C-T. GRCh37 (hg19) VCF-style: chr1-25890209-C-T.
Other names: short protein forms T225M.
Identifiers: ClinVar variation 3226703 (VCV003226703.1), dbSNP rs752255281, ClinGen allele CA695690.